The following is an entry in ClinVar:

NM_024577.4(SH3TC2):c.3154C>T (p.Arg1052Ter)

Gene: SH3TC2 (SH3 domain and tetratricopeptide repeats 2; minus strand). Cytogenetic location: 5q32.
Variant type: single nucleotide variant.
Coding change: c.3154C>T on transcript NM_024577.4 (MANE Select); coding-DNA position 3154, C replaced by T.
Protein change: p.Arg1052Ter; replaces arginine 1052 with a stop codon.
Molecular consequence: nonsense.
Genome position (GRCh38, 1-based): chr5:149,012,634, G>A on the plus strand (C>T on the coding strand, the complement: SH3TC2 is on the minus strand). VCF-style: chr5-149012634-G-A. GRCh37 (hg19) VCF-style: chr5-148392197-G-A.
Other names: short protein forms R1052*.
Identifiers: ClinVar variation 220408 (VCV000220408.16), dbSNP rs370115218, ClinGen allele CA349022.
Genomic context (GRCh38, chr5:149,012,634, plus strand): 5'-GGAGGCCTACCTGCAGGCACAGCTCCACCAGCTCGTCTTCCTGCATGAGGTAGTGGAGTC[G>A]CCCCGCCCCAAGCCAGGCCTCAGCAGCCTTGTCTGTCTCCCCCAGGTCAATGAAGATACG-3'

ClinVar aggregate classification (germline): Pathogenic. Review status: criteria provided, multiple submitters, no conflicts (2 of 4 stars). 4 submissions from 4 submitters: Pathogenic (4). Last evaluated 2024-08-05.

Conditions:
Charcot-Marie-Tooth disease. Also called: Charcot-Marie-Tooth Hereditary Neuropathy; Charcot-Marie-Tooth Neuropathy. Identifiers: Orphanet 166, MedGen C0007959, MONDO:0015626.
Charcot-Marie-Tooth disease type 4C (CMT4C). Also called: SH3TC2-Related Hereditary Motor and Sensory Neuropathy; CHARCOT-MARIE-TOOTH DISEASE, DEMYELINATING, TYPE 4C; CHARCOT-MARIE-TOOTH DISEASE, DEMYELINATING, AUTOSOMAL RECESSIVE, TYPE 4C; CMT 4C; Charcot-Marie-Tooth Neuropathy Type 4C (CMT4C). Identifiers: Orphanet 99949, MedGen C1866636, MONDO:0011113, OMIM 601596.
Susceptibility to mononeuropathy of the median nerve, mild. Also called: CARPAL TUNNEL SYNDROME, SUSCEPTIBILITY TO. Identifiers: MedGen C3150596, MONDO:0013237, OMIM 613353.
Charcot-Marie-Tooth disease type 4. Also called: Charcot-Marie-Tooth, Type 4; Charcot-Marie-Tooth disease, type IV. Identifiers: Orphanet 64749, MedGen C4082197, MONDO:0018995.

Allele frequency attached by ClinVar (database versions not stated): 1000 Genomes Project 30x 0.00016; 1000 Genomes Project 0.00020.
gnomAD v4.1: 25 of 1,614,122 alleles (0.0015%); highest among the groups gnomAD compares: African/African-American, 0.004%; no homozygotes.

Submissions (4):

Labcorp Genetics (formerly Invitae), Labcorp
Classification: Pathogenic for Charcot-Marie-Tooth disease type 4. Last evaluated: 2024-08-05. Review status: criteria provided, single submitter. Criteria: Invitae Variant Classification Sherloc (09022015). Collection method: clinical testing. Allele origin: germline.
Comment: This sequence change creates a premature translational stop signal (p.Arg1052*) in the SH3TC2 gene. It is expected to result in an absent or disrupted protein product. Loss-of-function variants in SH3TC2 are known to be pathogenic (PMID: 20220177, 27068304). This variant is present in population databases (rs370115218, gnomAD 0.007%). This premature translational stop signal has been observed in individual(s) with Charcot-Marie-Tooth disease (PMID: 25614874; Invitae). ClinVar contains an entry for this variant (Variation ID: 220408). For these reasons, this variant has been classified as Pathogenic.

GeneDx
Classification: Pathogenic. Last evaluated: 2023-09-27. Review status: criteria provided, single submitter. Criteria: GeneDx Variant Classification Process June 2021. Collection method: clinical testing. Allele origin: germline. Affected: yes.
Comment: Observed in a patient with Charcot-Marie-Tooth disease; however, additional clinical information and inheritance pattern were not reported (DiVincenzo et al., 2014); Nonsense variant predicted to result in protein truncation or nonsense mediated decay in a gene for which loss of function is a known mechanism of disease; Not observed at a significant frequency in large population cohorts (gnomAD); This variant is associated with the following publications: (PMID: 25614874, 33587240)

Fulgent Genetics
Classification: Pathogenic for Charcot-Marie-Tooth disease type 4C; Susceptibility to mononeuropathy of the median nerve, mild. Last evaluated: 2021-07-06. Review status: criteria provided, single submitter. Criteria: ACMG Guidelines, 2015. Collection method: clinical testing. Allele origin: unknown.

Molecular Genetics Laboratory, London Health Sciences Centre
Classification: Pathogenic for Charcot-Marie-Tooth disease. Review status: criteria provided, single submitter. Criteria: ACMG Guidelines, 2015. Collection method: clinical testing. Allele origin: germline. Affected: yes.

Literature cited by the submitters: PubMed 20220177 (cited by Labcorp Genetics (formerly Invitae), Labcorp); PubMed 27068304 (cited by Labcorp Genetics (formerly Invitae), Labcorp); PubMed 25614874 (cited by Labcorp Genetics (formerly Invitae), Labcorp).